The following is an entry in ClinVar:

NM_144991.3(TSPEAR):c.552T>C (p.Asp184=)

Gene: TSPEAR (thrombospondin type laminin G domain and EAR repeats; minus strand). Cytogenetic location: 21q22.3.
Variant type: single nucleotide variant.
Coding change: c.552T>C on transcript NM_144991.3 (MANE Select); coding-DNA position 552, T replaced by C.
Protein change: p.Asp184=; no amino-acid change (aspartic acid 184 retained).
Molecular consequence: synonymous variant.
Genome position (GRCh38, 1-based): chr21:44,531,124, A>G on the plus strand (T>C on the coding strand, the complement: TSPEAR is on the minus strand). VCF-style: chr21-44531124-A-G. GRCh37 (hg19) VCF-style: chr21-45951007-A-G.
Other names: c.348T>C, p.Asp116= (NM_001272037.2).
Identifiers: ClinVar variation 227139 (VCV000227139.16), dbSNP rs112735071, ClinGen allele CA10056960.

ClinVar aggregate classification (germline): Benign. Review status: criteria provided, multiple submitters, no conflicts (2 of 4 stars). 4 submissions from 4 submitters: Benign (4). Last evaluated 2026-01-15.

Allele frequency attached by ClinVar (database versions not stated): gnomAD exomes 0.00114 and 0.00273; ExAC 0.00366; gnomAD 0.00882 and 0.00938; TOPMed 0.01012; 1000 Genomes Project 0.01098; ESP Exome Variant Server 0.01099; 1000 Genomes Project 30x 0.01171.
gnomAD v4.1: 3,098 of 1,613,712 alleles (0.19%); highest among the groups gnomAD compares: African/African-American, 3%; 45 homozygotes.

Submissions (4):

Labcorp Genetics (formerly Invitae), Labcorp
Classification: Benign. Last evaluated: 2026-01-15. Review status: criteria provided, single submitter. Criteria: Invitae Variant Classification Sherloc (09022015). Collection method: clinical testing. Allele origin: germline.

GeneDx
Classification: Benign. Last evaluated: 2018-03-12. Review status: criteria provided, single submitter. Criteria: GeneDx Variant Classification (06012015). Collection method: clinical testing. Allele origin: germline. Affected: yes.
Comment: This variant is considered likely benign or benign based on one or more of the following criteria: it is a conservative change, it occurs at a poorly conserved position in the protein, it is predicted to be benign by multiple in silico algorithms, and/or has population frequency not consistent with disease.

Laboratory for Molecular Medicine, Mass General Brigham Personalized Medicine
Classification: Benign. Last evaluated: 2014-11-24. Review status: criteria provided, single submitter. Criteria: LMM Criteria. Collection method: clinical testing. Allele origin: germline. Observed: 3 variant alleles.
Comment: Asp184Asp in exon 4 of TSPEAR: This variant is not expected to have clinical sig nificance because it does not alter an amino acid residue and is not located wit hin the splice consensus sequence. It has been identified in 3.2% (139/4406) of African American chromosomes from a broad population by the NHLBI Exome Sequenci ng Project (dbSNP rs112735071).

Breakthrough Genomics
Classification: Benign. Review status: criteria provided, single submitter. Criteria: ACMG Guidelines, 2015. Collection method: not provided. Allele origin: germline. Inheritance: Autosomal recessive inheritance. Affected: yes.